The following is an entry in ClinVar:

ClinVar aggregate classification (germline): Uncertain significance. Review status: criteria provided, single submitter (1 of 4 stars). 2 submissions from 2 submitters: Uncertain significance (1). 1 of the submissions does not count toward it. Last evaluated 2024-10-04.

Conditions:
CTSF-related disorder. Also called: CTSF-related condition.
Neuronal ceroid lipofuscinosis 13 (CLN13). Also called: CLN13 Disease; CEROID LIPOFUSCINOSIS, NEURONAL, 13 (KUFS TYPE). Identifiers: Orphanet 352709, Orphanet 79262, MedGen C3715049, MONDO:0014147, OMIM 615362.

Allele frequency attached by ClinVar (database versions not stated): ExAC 0.00001; gnomAD 0.00001; gnomAD exomes 0.00001 and 0.00008; TOPMed 0.00001.

Submissions (2):

PreventionGenetics, part of Exact Sciences
Classification: Uncertain significance for CTSF-related condition. Last evaluated: 2024-10-04. Review status: criteria provided, single submitter. Criteria: ACMG Guidelines, 2015. Collection method: clinical testing. Allele origin: germline.
Comment: The CTSF c.954delC variant is predicted to result in a frameshift and premature protein termination (p.Ser319Leufs*27). This variant was reported in trans with another variant in an individual with Kufs disease, type B (Smith et al. 2013. PubMed ID: 23297359). This variant is reported in 0.0040% of alleles in individuals of African descent in gnomAD. Loss-of-function is not an established mechanism of disease; therefore, although we suspect that this variant may be pathogenic, at this time, its clinical significance is uncertain due to the absence of conclusive functional and genetic evidence.

OMIM
Classification: Pathogenic for CEROID LIPOFUSCINOSIS, NEURONAL, 13 (KUFS TYPE). Last evaluated: 2013-04-01. Review status: no assertion criteria provided. Collection method: literature only. Allele origin: germline. Not counted in ClinVar's aggregate classification.

Literature cited by the submitters: PubMed 23297359 (cited by OMIM).

NM_003793.4(CTSF):c.954del (p.Ser319fs)

Gene: CTSF (cathepsin F; minus strand). Cytogenetic location: 11q13.2.
Variant type: Deletion.
Coding change: c.954del on transcript NM_003793.4 (MANE Select); coding-DNA position 954, one base deleted (C; older notation c.954delC).
Protein change: p.Ser319fs; shifts the reading frame from serine 319.
Molecular consequence: frameshift variant.
Genome position (GRCh38, 1-based): chr11:66,565,841, G deleted on the plus strand (C on the coding strand, the reverse complement: CTSF is on the minus strand). VCF-style (leftmost placement, unchanged base first): chr11-66565840-AG-A. GRCh37 (hg19) VCF-style: chr11-66333311-AG-A.
Other names: c.954delC (NM_003793.3); short protein forms S319fs.
Identifiers: ClinVar variation 60679 (VCV000060679.3), dbSNP rs753084727, ClinGen allele CA213080.